The following is an entry in ClinVar:

ClinVar aggregate classification (germline): Uncertain significance. Review status: criteria provided, multiple submitters, no conflicts (2 of 4 stars). 3 submissions from 3 submitters: Uncertain significance (3). Last evaluated 2024-09-30.

Conditions:
Inborn genetic diseases. Identifiers: MedGen C0950123, MeSH D030342.
Congenital hyperammonemia, type I. Also called: Carbamoyl-phosphate synthase I deficiency; Carbamoyl phosphate synthetase I deficiency disease; Carbamoyl phosphate synthetase 1 deficiency; Hyperammonemia due to carbamoyl phosphate synthetase 1 deficiency; CPS 1 deficiency; Carbamyl phosphate synthetase (CPS) deficiency. Identifiers: Orphanet 147, MedGen C4082171, MONDO:0009376, OMIM 237300.

Allele frequency attached by ClinVar (database versions not stated): gnomAD exomes below 0.00001 and 0.00001; TOPMed 0.00001.

Submissions (3):

Ambry Genetics
Classification: Uncertain significance for Inborn genetic diseases. Last evaluated: 2024-09-30. Review status: criteria provided, single submitter. Criteria: Ambry Variant Classification Scheme 2023. Collection method: clinical testing. Allele origin: germline.

Labcorp Genetics (formerly Invitae), Labcorp
Classification: Uncertain significance for Congenital hyperammonemia, type I. Last evaluated: 2022-03-06. Review status: criteria provided, single submitter. Criteria: Invitae Variant Classification Sherloc (09022015). Collection method: clinical testing. Allele origin: germline.
Comment: This sequence change replaces glutamic acid, which is acidic and polar, with glycine, which is neutral and non-polar, at codon 1221 of the CPS1 protein (p.Glu1221Gly). This variant is present in population databases (no rsID available, gnomAD 0.01%). This variant has not been reported in the literature in individuals affected with CPS1-related conditions. ClinVar contains an entry for this variant (Variation ID: 1032781). Algorithms developed to predict the effect of missense changes on protein structure and function (SIFT, PolyPhen-2, Align-GVGD) all suggest that this variant is likely to be tolerated. In summary, the available evidence is currently insufficient to determine the role of this variant in disease. Therefore, it has been classified as a Variant of Uncertain Significance.

Baylor Genetics
Classification: Uncertain significance for Congenital hyperammonemia, type I. Last evaluated: 2018-01-17. Review status: criteria provided, single submitter. Criteria: ACMG Guidelines, 2015. Collection method: clinical testing. Allele origin: paternal. Affected: yes.
Comment: This variant was determined to be of uncertain significance according to ACMG Guidelines, 2015 [PMID:25741868].

NM_001875.5(CPS1):c.3662A>G (p.Glu1221Gly)

Gene: CPS1 (carbamoyl-phosphate synthase 1; plus strand). Cytogenetic location: 2q34.
Variant type: single nucleotide variant.
Coding change: c.3662A>G on transcript NM_001875.5 (MANE Select); coding-DNA position 3662, A replaced by G.
Protein change: p.Glu1221Gly; replaces glutamic acid 1221 with glycine.
Molecular consequence: missense variant. On other transcripts: non-coding transcript variant (2).
Genome position (GRCh38, 1-based): chr2:210,656,628, A>G. VCF-style: chr2-210656628-A-G. GRCh37 (hg19) VCF-style: chr2-211521352-A-G.
Other names: c.3662A>G, p.Glu1221Gly (NM_001122633.3, NM_001369257.1); c.3695A>G, p.Glu1232Gly (NM_001369256.1); short protein forms E1221G, E1232G.
Identifiers: ClinVar variation 1032781 (VCV001032781.4), dbSNP rs1276176761, ClinGen allele CA350438008.